The following is an entry in ClinVar:

ClinVar aggregate classification (germline): Uncertain significance (1 of 4 stars; one submission).

Conditions:
TMTC3-related disorder. Also called: TMTC3-related condition.

Submission:

PreventionGenetics, part of Exact Sciences
Classification: Uncertain significance for TMTC3-related condition. Last evaluated: 2022-12-27. Review status: criteria provided, single submitter. Criteria: ACMG Guidelines, 2015. Collection method: clinical testing. Allele origin: germline.
Comment: The TMTC3 c.1321-4delT variant is predicted to result in an intronic deletion. To our knowledge, this variant has not been reported in the literature or in a large population database, indicating this variant is rare. Although we suspect that this variant may be benign, at this time, the clinical significance of this variant is uncertain due to the absence of conclusive functional and genetic evidence.

NM_181783.4(TMTC3):c.1321-4del

Gene: TMTC3 (transmembrane O-mannosyltransferase targeting cadherins 3; plus strand). Cytogenetic location: 12q21.32.
Variant type: Deletion.
Coding change: c.1321-4del on transcript NM_181783.4 (MANE Select); 4 bases into the intron before coding-DNA position 1321, one base deleted (T; older notation c.1321-4delT).
Molecular consequence: intron variant.
Genome position (GRCh38, 1-based): chr12:88,176,204, T deleted; the last of 3 consecutive T bases (chr12:88,176,202-88,176,204); deleting any one gives the same sequence. VCF-style (leftmost placement, unchanged base first): chr12-88176201-AT-A. GRCh37 (hg19) VCF-style: chr12-88569978-AT-A.
Other names: c.1102-4del (NM_001366579.1); c.1141-4del (NM_001366574.1); c.1054-4del (NM_001366580.1); c.628-4del (NM_001366583.1).
Identifiers: ClinVar variation 2629922 (VCV002629922.1), dbSNP rs746167778, ClinGen allele CA2695199157.